The following is an entry in ClinVar:

NM_000059.4(BRCA2):c.4952del (p.Pro1651fs)

Gene: BRCA2 (BRCA2 DNA repair associated; plus strand). Cytogenetic location: 13q13.1.
Variant type: Deletion.
Coding change: c.4952del on transcript NM_000059.4 (MANE Select); coding-DNA position 4952, one base deleted (C; older notation c.4952delC).
Protein change: p.Pro1651fs; shifts the reading frame from proline 1651.
Molecular consequence: frameshift variant.
Genome position (GRCh38, 1-based): chr13:32,339,307, C deleted; the last of 2 consecutive C bases (chr13:32,339,306-32,339,307); deleting either gives the same sequence. VCF-style (leftmost placement, unchanged base first): chr13-32339305-TC-T. GRCh37 (hg19) VCF-style: chr13-32913442-TC-T.
Other names: 5180delC; c.4952delC (NM_000059.3).
Identifiers: ClinVar variation 51748 (VCV000051748.26), dbSNP rs397507752, ClinGen allele CA021054.

ClinVar aggregate classification (germline): Pathogenic. Review status: reviewed by expert panel (3 of 4 stars). 5 submissions from 5 submitters: Pathogenic (1). 4 of the submissions do not count toward it. Last evaluated 2016-10-18.

Conditions:
Gastric cancer. Also called: Stomach cancer; Malignant tumor of stomach. Identifiers: MedGen C0024623, MeSH D013274, MONDO:0001056, OMIM 613659, HP:0012126.
Hereditary cancer-predisposing syndrome. Also called: Hereditary Cancer Syndrome; Neoplastic Syndromes, Hereditary; Hereditary neoplastic syndrome; Tumor predisposition. Identifiers: Orphanet 140162, MedGen C0027672, MeSH D009386, MONDO:0015356.
Breast-ovarian cancer, familial, susceptibility to, 2 (BROVCA2). Also called: BRCA2 Hereditary Breast and Ovarian Cancer. Identifiers: Orphanet 145, MedGen C2675520, MONDO:0012933, OMIM 612555. Disease mechanism: loss of function.

Submissions (5):

Evidence-based Network for the Interpretation of Germline Mutant Alleles (ENIGMA)
Classification: Pathogenic for Breast-ovarian cancer, familial, susceptibility to, 2. Last evaluated: 2016-10-18. Review status: reviewed by expert panel. Criteria: ENIGMA BRCA1/2 Classification Criteria (2015). Collection method: curation. Allele origin: germline.
Comment: Variant allele predicted to encode a truncated non-functional protein.

Ambry Genetics
Classification: Pathogenic for Hereditary cancer-predisposing syndrome. Last evaluated: 2024-09-09. Review status: criteria provided, single submitter. Criteria: Ambry Variant Classification Scheme 2023. Collection method: clinical testing. Allele origin: germline. Not counted in ClinVar's aggregate classification.
Comment: The c.4952delC pathogenic mutation, located in coding exon 10 of the BRCA2 gene, results from a deletion of one nucleotide at nucleotide position 4952, causing a translational frameshift with a predicted alternate stop codon (p.P1651Lfs*19). This alteration was identified in a large, worldwide study of BRCA1/2 mutation positive families (Rebbeck TR et al. Hum Mutat, 2018 05;39:593-620). Additionally, this alteration was not observed in unselected male breast cancer patients and was observed with an allele frequency of 0.0001 in 12490 male controls of Japanese ancestry (Momozawa Y et al. Nat Commun, 2018 10;9:4083). In addition to the clinical data presented in the literature, this alteration is expected to result in loss of function by premature protein truncation or nonsense-mediated mRNA decay. As such, this alteration is interpreted as a disease-causing mutation.

Myriad Genetics, Inc.
Classification: Pathogenic for Breast-ovarian cancer, familial, susceptibility to, 2. Last evaluated: 2024-04-17. Review status: criteria provided, single submitter. Criteria: Myriad Autosomal Dominant, Autosomal Recessive and X-Linked Classification Criteria (2023). Collection method: clinical testing. Allele origin: unknown. Not counted in ClinVar's aggregate classification.
Comment: This variant is considered pathogenic. This variant creates a frameshift predicted to result in premature protein truncation.

Consortium of Investigators of Modifiers of BRCA1/2 (CIMBA), c/o University of Cambridge
Classification: Pathogenic for Breast-ovarian cancer, familial, susceptibility to, 2. Last evaluated: 2015-10-02. Review status: criteria provided, single submitter. Criteria: CIMBA Mutation Classification guidelines May 2016. Collection method: clinical testing. Allele origin: germline. Not counted in ClinVar's aggregate classification.

Laboratory for Genotyping Development, RIKEN
Classification: Pathogenic for Gastric cancer. Last evaluated: 2021-07-01. Review status: no assertion criteria provided. Collection method: research. Allele origin: germline. Not counted in ClinVar's aggregate classification.

Literature cited by the submitters: PubMed 29446198 (cited by Ambry Genetics); PubMed 30287823 (cited by Ambry Genetics); PubMed 36988593 (cited by Laboratory for Genotyping Development, RIKEN).